The following is an entry in ClinVar:

NM_000059.4(BRCA2):c.3188A>T (p.Gln1063Leu)

Gene: BRCA2 (BRCA2 DNA repair associated; plus strand). Cytogenetic location: 13q13.1.
Variant type: single nucleotide variant.
Coding change: c.3188A>T on transcript NM_000059.4 (MANE Select); coding-DNA position 3188, A replaced by T.
Protein change: p.Gln1063Leu; replaces glutamine 1063 with leucine.
Molecular consequence: missense variant.
Genome position (GRCh38, 1-based): chr13:32,337,543, A>T. VCF-style: chr13-32337543-A-T. GRCh37 (hg19) VCF-style: chr13-32911680-A-T.
Other names: short protein forms Q1063L.
Identifiers: ClinVar variation 216244 (VCV000216244.9), dbSNP rs775030825, ClinGen allele CA339239.

ClinVar aggregate classification (germline): Conflicting classifications of pathogenicity. Review status: criteria provided, conflicting classifications (1 of 4 stars). 2 submissions from 2 submitters: Uncertain significance (1); Likely benign (1). Last evaluated 2023-03-23.

Conditions:
Hereditary cancer-predisposing syndrome. Also called: Hereditary Cancer Syndrome; Hereditary neoplastic syndrome; Neoplastic Syndromes, Hereditary; Tumor predisposition. Identifiers: Orphanet 140162, MedGen C0027672, MeSH D009386, MONDO:0015356.
Hereditary breast ovarian cancer syndrome. Also called: Hereditary breast and/or ovarian cancer syndrome; Breast and ovarian cancer; BRCA1- and BRCA2-Associated Hereditary Breast and Ovarian Cancer; Hereditary breast and ovarian cancer syndrome; Hereditary breast and ovarian cancer syndrome (HBOC); Hereditary breast and ovarian cancer. Identifiers: Orphanet 145, MedGen C0677776, MeSH D061325, MONDO:0003582. Disease mechanism: loss of function.

Submissions (2):

University of Washington Department of Laboratory Medicine, University of Washington
Classification: Likely benign for Hereditary cancer-predisposing syndrome. Last evaluated: 2023-03-23. Review status: criteria provided, single submitter. Criteria: Dines et al. (Genet Med. 2020). Collection method: curation. Allele origin: germline.
Comment: Missense variant in a coldspot region where missense variants are very unlikely to be pathogenic (PMID:31911673).

BRCA2 exon 11 coldspot. Reclassification based on statistical prior probability.

Labcorp Genetics (formerly Invitae), Labcorp
Classification: Uncertain significance for Hereditary breast ovarian cancer syndrome. Last evaluated: 2015-05-28. Review status: criteria provided, single submitter. Criteria: Invitae Variant Classification Sherloc (09022015). Collection method: clinical testing. Allele origin: germline.
Comment: This sequence change replaces glutamine with leucine at codon 1063 of the BRCA2 protein (p.Gln1063Leu). The glutamine residue is weakly conserved and there is a moderate physicochemical difference between glutamine and leucine. Algorithms developed to predict the effect of missense changes on protein structure and function (SIFT, PolyPhen-2, Align-GVGD) all suggest that this variant is likely to be tolerated, but these predictions have not been confirmed by published functional studies. This variant has not been published in the literature and is not present in population databases. In summary, this is a novel missense change that is not predicted to affect protein function or cause disease. However the evidence is insufficient at this time to prove that conclusively. It has been classified as a Variant of Uncertain Significance.